The following is an entry in ClinVar:

ClinVar aggregate classification (germline): Conflicting classifications of pathogenicity. Review status: criteria provided, conflicting classifications (1 of 4 stars). 7 submissions from 7 submitters: Uncertain significance (1); Benign (1); Likely benign (3). 2 of the submissions do not count toward it. Last evaluated 2025-04-18.

Conditions:
CFH-Related Dense Deposit Disease / Membranoproliferative Glomerulonephritis Type II. Identifiers: MedGen CN071292.
Atypical hemolytic-uremic syndrome. Identifiers: Orphanet 2134, MedGen C2931788, MONDO:0016244.

Allele frequency attached by ClinVar (database versions not stated): 1000 Genomes Project 30x 0.00031; 1000 Genomes Project 0.00040; TOPMed 0.00077; ESP Exome Variant Server 0.00100; ExAC 0.00124.
gnomAD v4.1: 1,620 of 1,609,772 alleles (0.1%); highest among the groups gnomAD compares: South Asian, 0.2%; 2 homozygotes.

Submissions (7):

Labcorp Genetics (formerly Invitae), Labcorp
Classification: Benign. Last evaluated: 2025-04-18. Review status: criteria provided, single submitter. Criteria: Invitae Variant Classification Sherloc (09022015). Collection method: clinical testing. Allele origin: germline.

Mayo Clinic Laboratories, Mayo Clinic
Classification: Likely benign. Last evaluated: 2024-12-17. Review status: criteria provided, single submitter. Criteria: ACMG Guidelines, 2015. Collection method: clinical testing. Allele origin: germline. Observed: 6 variant alleles.
Comment: BS1_stand-alone

Women's Health and Genetics/Laboratory Corporation of America, LabCorp
Classification: Likely benign. Last evaluated: 2024-02-16. Review status: criteria provided, single submitter. Criteria: LabCorp Variant Classification Summary - May 2015. Collection method: clinical testing. Allele origin: germline.
Comment: Variant summary: CFHR5 c.1541T>G (p.Met514Arg) results in a non-conservative amino acid change in the encoded protein sequence. Four of five in-silico tools predict a damaging effect of the variant on protein function. The variant allele was found at a frequency of 0.0012 in 250066 control chromosomes, predominantly at a frequency of 0.0022 within the South Asian subpopulation in the gnomAD database. c.1541T>G has been reported in the literature in at least one individual affected with Haemolytic uraemic syndrome (Monteferrante_2007). The report does not provide unequivocal conclusions about association of the variant with CFHR5 Deficiency. To our knowledge, no experimental evidence demonstrating an impact on protein function has been reported. The following publication have been ascertained in the context of this evaluation (PMID: 17000000). ClinVar contains an entry for this variant (Variation ID: 717499). Based on the evidence outlined above, the variant was classified as likely benign.

Genome Diagnostics Laboratory, The Hospital for Sick Children
Classification: Likely benign for Atypical hemolytic-uremic syndrome. Last evaluated: 2020-07-13. Review status: criteria provided, single submitter. Criteria: ACMG Guidelines, 2015. Collection method: clinical testing. Allele origin: germline.

Illumina Laboratory Services, Illumina
Classification: Uncertain significance for Membranoproliferative glomerulonephritis with complement factor h deficiency. Last evaluated: 2017-04-27. Review status: criteria provided, single submitter. Criteria: ICSL Variant Classification Criteria 13 December 2019. Collection method: clinical testing. Allele origin: germline.
Comment: This variant was observed as part of a predisposition screen in an ostensibly healthy population. A literature search was performed for the gene, cDNA change, and amino acid change (where applicable). Publications were found based on this search. However, the evidence from the literature, in combination with allele frequency data from public databases where available, was not sufficient to rule this variant in or out of causing disease. Therefore, this variant is classified as a variant of unknown significance.

Clinical Genetics DNA and cytogenetics Diagnostics Lab, Erasmus MC, Erasmus Medical Center
Classification: Uncertain significance. Review status: no assertion criteria provided. Collection method: clinical testing. Allele origin: germline. Affected: yes. Study: VKGL Data-share Consensus. Not counted in ClinVar's aggregate classification.

Joint Genome Diagnostic Labs from Nijmegen and Maastricht, Radboudumc and MUMC+
Classification: Uncertain significance. Review status: no assertion criteria provided. Collection method: clinical testing. Allele origin: germline. Affected: yes. Study: VKGL Data-share Consensus. Not counted in ClinVar's aggregate classification.

Literature cited by the submitters: PubMed 17000000 (cited by 3 submitters); PubMed 19365580 (cited by Mayo Clinic Laboratories, Mayo Clinic and Illumina Laboratory Services, Illumina); PubMed 37744338 (cited by Mayo Clinic Laboratories, Mayo Clinic).

NM_030787.4(CFHR5):c.1541T>G (p.Met514Arg)

Gene: CFHR5 (complement factor H related 5; plus strand). Cytogenetic location: 1q31.3.
Variant type: single nucleotide variant.
Coding change: c.1541T>G on transcript NM_030787.4 (MANE Select); coding-DNA position 1541, T replaced by G.
Protein change: p.Met514Arg; replaces methionine 514 with arginine.
Molecular consequence: missense variant.
Genome position (GRCh38, 1-based): chr1:197,008,514, T>G. VCF-style: chr1-197008514-T-G. GRCh37 (hg19) VCF-style: chr1-196977644-T-G.
Other names: p.Met514Arg; short protein forms M514R.
Identifiers: ClinVar variation 717499 (VCV000717499.19), dbSNP rs141321678, ClinGen allele CA1308115.